The following is an entry in ClinVar:

ClinVar aggregate classification (germline): Uncertain significance (1 of 4 stars; one submission).

Conditions:
Short-rib thoracic dysplasia 7 with or without polydactyly (SRTD7). Also called: Short rib polydactyly syndrome 5; SHORT-RIB THORACIC DYSPLASIA 7 WITH POLYDACTYLY. Identifiers: Orphanet 498497, Orphanet 93271, MedGen C3279792, MONDO:0013569, OMIM 614091.
Cranioectodermal dysplasia 2 (CED2). Identifiers: Orphanet 1515, MedGen C3150874, MONDO:0013323, OMIM 613610.

gnomAD v4.1: 1 of 1,613,498 alleles (0.000062%); highest among the groups gnomAD compares: East Asian, 0.0022%; no homozygotes.

Submission:

Labcorp Genetics (formerly Invitae), Labcorp
Classification: Uncertain significance for Cranioectodermal dysplasia 2; Short-rib thoracic dysplasia 7 with or without polydactyly. Last evaluated: 2022-07-17. Review status: criteria provided, single submitter. Criteria: Invitae Variant Classification Sherloc (09022015). Collection method: clinical testing. Allele origin: germline.
Comment: Algorithms developed to predict the effect of missense changes on protein structure and function (SIFT, PolyPhen-2, Align-GVGD) all suggest that this variant is likely to be tolerated. In summary, the available evidence is currently insufficient to determine the role of this variant in disease. Therefore, it has been classified as a Variant of Uncertain Significance. This variant has not been reported in the literature in individuals affected with WDR35-related conditions. This variant is present in population databases (no rsID available, gnomAD 0.006%). This sequence change replaces glutamine, which is neutral and polar, with histidine, which is basic and polar, at codon 864 of the WDR35 protein (p.Gln864His).

NM_020779.4(WDR35):c.2559A>T (p.Gln853His)

Genes: WDR35 (WD repeat domain 35; minus strand), LOC129933186 (ATAC-STARR-seq lymphoblastoid active region 15370; plus strand). Cytogenetic location: 2p24.1.
Variant type: single nucleotide variant.
Coding change: c.2559A>T on transcript NM_020779.4 (MANE Select); coding-DNA position 2559, A replaced by T.
Protein change: p.Gln853His; replaces glutamine 853 with histidine.
Molecular consequence: missense variant.
Genome position (GRCh38, 1-based): chr2:19,933,500, T>A on the plus strand (A>T on the coding strand, the complement: WDR35 is on the minus strand). VCF-style: chr2-19933500-T-A. GRCh37 (hg19) VCF-style: chr2-20133261-T-A.
Other names: c.2592A>T, p.Gln864His (NM_001006657.2); short protein forms Q853H, Q864H.
Identifiers: ClinVar variation 2113061 (VCV002113061.4), dbSNP rs1401949648, ClinGen allele CA345942709.